The following is an entry in ClinVar:

NM_053025.4(MYLK):c.5369-10T>G

Genes: MYLK (myosin light chain kinase; minus strand), MYLK-AS1 (MYLK antisense RNA 1; plus strand). Cytogenetic location: 3q21.1.
Variant type: single nucleotide variant.
Coding change: c.5369-10T>G on transcript NM_053025.4 (MANE Select); 10 bases into the intron before coding-DNA position 5369, T replaced by G.
Molecular consequence: intron variant.
Genome position (GRCh38, 1-based): chr3:123,618,780, A>C on the plus strand (T>G on the coding strand, the complement: MYLK is on the minus strand). VCF-style: chr3-123618780-A-C. GRCh37 (hg19) VCF-style: chr3-123337627-A-C.
Other names: c.4841-10T>G (NM_001321309.2); c.5009-10T>G (NM_053028.4); c.5162-10T>G (NM_053026.4); c.5216-10T>G (NM_053027.4); c.89-13T>G (NM_053031.4); c.89-10T>G (NM_053032.4).
Identifiers: ClinVar variation 415770 (VCV000415770.17), dbSNP rs373584324, ClinGen allele CA072849.

ClinVar aggregate classification (germline): Conflicting classifications of pathogenicity. Review status: criteria provided, conflicting classifications (1 of 4 stars). 5 submissions from 5 submitters: Uncertain significance (2); Likely benign (2). 1 of the submissions does not count toward it. Last evaluated 2026-01-24.

Conditions:
Aortic aneurysm, familial thoracic 7 (AAT7). Also called: AORTIC DISSECTION, FAMILIAL, WITH OR WITHOUT AORTIC ANEURYSM. Identifiers: MedGen C3151077, MONDO:0013418, OMIM 613780.
MYLK-related disorder. Also called: MYLK-related condition.
Connective tissue disorder. Also called: Connective tissue disease. Identifiers: MedGen C0009782, MONDO:0003900.

Allele frequency attached by ClinVar (database versions not stated): TOPMed 0.00006; gnomAD 0.00008 and 0.00009; ESP Exome Variant Server 0.00015; 1000 Genomes Project 30x 0.00016; 1000 Genomes Project 0.00020; gnomAD exomes 0.00020; ExAC 0.00032.
gnomAD v4.1: 151 of 1,614,016 alleles (0.0094%); highest among the groups gnomAD compares: Non-Finnish European, 0.01%; no homozygotes.

Submissions (6):

Labcorp Genetics (formerly Invitae), Labcorp
Classification: Likely benign for Aortic aneurysm, familial thoracic 7. Last evaluated: 2026-01-24. Review status: criteria provided, single submitter. Criteria: Invitae Variant Classification Sherloc (09022015). Collection method: clinical testing. Allele origin: germline.

Blueprint Genetics
Classification: Likely benign. Last evaluated: 2024-11-20. Review status: criteria provided, single submitter. Criteria: ACMG Guidelines, 2015. Collection method: clinical testing. Allele origin: germline.

GeneDx
Classification: Uncertain significance. Last evaluated: 2021-05-25. Review status: criteria provided, single submitter. Criteria: GeneDx Variant Classification Process June 2021. Collection method: clinical testing. Allele origin: germline. Affected: yes.
Comment: Has not been previously published as pathogenic or benign to our knowledge; Reported in ClinVar as a variant of uncertain clinical significance and as a likely benign variant by other clinical laboratories (ClinVar Variant ID# 415770; Landrum et al., 2016); In-silico analysis, which includes splice predictors and evolutionary conservation, is inconclusive as to whether the variant alters gene splicing; in the absence of RNA/functional studies, the actual effect of this sequence change is unknown

Center for Human Genetics, Inc
Classification: Uncertain significance for Connective tissue disorder. Last evaluated: 2016-11-01. Review status: criteria provided, single submitter. Criteria: ACMG Guidelines, 2015. Collection method: clinical testing. Allele origin: germline. Affected: yes.

PreventionGenetics, part of Exact Sciences
Classification: Likely benign for MYLK-related condition. Last evaluated: 2024-05-22. Review status: no assertion criteria provided. Collection method: clinical testing. Allele origin: germline. Not counted in ClinVar's aggregate classification.
Comment: This variant is classified as likely benign based on ACMG/AMP sequence variant interpretation guidelines (Richards et al. 2015 PMID: 25741868, with internal and published modifications).

Dr. Peter K. Rogan Lab, Western University
No classification provided (evidence only). Condition: Familial cancer of breast. Review status: no classification provided. Collection method: in vitro. Allele origin: not applicable. Functional consequence: skipped exon, retained intron. Not counted in ClinVar's aggregate classification.